The following is an entry in ClinVar:

ClinVar aggregate classification (germline): Uncertain significance. Review status: criteria provided, multiple submitters, no conflicts (2 of 4 stars). 3 submissions from 3 submitters: Uncertain significance (3). Last evaluated 2025-04-28.

Conditions:
Inborn genetic diseases. Identifiers: MedGen C0950123, MeSH D030342.

Allele frequency attached by ClinVar (database versions not stated): gnomAD 0.00001; gnomAD exomes 0.00001; ExAC 0.00002; TOPMed 0.00003.
gnomAD v4.1: 16 of 1,614,022 alleles (0.00099%); highest among the groups gnomAD compares: African/African-American, 0.0027%; no homozygotes.

Submissions (3):

Labcorp Genetics (formerly Invitae), Labcorp
Classification: Uncertain significance. Last evaluated: 2025-04-28. Review status: criteria provided, single submitter. Criteria: Invitae Variant Classification Sherloc (09022015). Collection method: clinical testing. Allele origin: germline.
Comment: This sequence change replaces arginine, which is basic and polar, with glutamine, which is neutral and polar, at codon 960 of the ATR protein (p.Arg960Gln). This variant is present in population databases (rs753553510, gnomAD 0.006%). This variant has not been reported in the literature in individuals affected with ATR-related conditions. ClinVar contains an entry for this variant (Variation ID: 2040182). An algorithm developed to predict the effect of missense changes on protein structure and function (PolyPhen-2) suggests that this variant is likely to be tolerated. In summary, the available evidence is currently insufficient to determine the role of this variant in disease. Therefore, it has been classified as a Variant of Uncertain Significance.

Blueprint Genetics
Classification: Uncertain significance. Last evaluated: 2023-12-07. Review status: criteria provided, single submitter. Criteria: ACMG Guidelines, 2015. Collection method: clinical testing. Allele origin: germline.

Ambry Genetics
Classification: Uncertain significance for Inborn genetic diseases. Last evaluated: 2021-07-21. Review status: criteria provided, single submitter. Criteria: Ambry Variant Classification Scheme 2023. Collection method: clinical testing. Allele origin: germline.

NM_001184.4(ATR):c.2879G>A (p.Arg960Gln)

Gene: ATR (ATR checkpoint kinase; minus strand). Cytogenetic location: 3q23.
Variant type: single nucleotide variant.
Coding change: c.2879G>A on transcript NM_001184.4 (MANE Select); coding-DNA position 2879, G replaced by A.
Protein change: p.Arg960Gln; replaces arginine 960 with glutamine.
Molecular consequence: missense variant.
Genome position (GRCh38, 1-based): chr3:142,550,229, C>T on the plus strand (G>A on the coding strand, the complement: ATR is on the minus strand). VCF-style: chr3-142550229-C-T. GRCh37 (hg19) VCF-style: chr3-142269071-C-T.
Other names: c.2687G>A, p.Arg896Gln (NM_001354579.2); short protein forms R960Q, R896Q.
Identifiers: ClinVar variation 2040182 (VCV002040182.6), dbSNP rs753553510, ClinGen allele CA2650252.
Genomic context (GRCh38, chr3:142,550,229, plus strand): 5'-TTGGCAATTTCAGACAACGTATTTAAAGCCATTTCTCTCTGGTGAGCCACATCTTGTTTT[C>T]GCACGTCAGCATTCTGGCATGGAGTATTCGGAAGTGCTGTCATCTGACTAGAGTGAAGGG-3'
Protein context (NP_001175.2, residues 950-970): PNTPCQNADV[Arg960Gln]KQDVAHQREM